The following is an entry in ClinVar:

NM_001754.5(RUNX1):c.351+14G>A

Gene: RUNX1 (RUNX family transcription factor 1; minus strand). Cytogenetic location: 21q22.12.
Variant type: single nucleotide variant.
Coding change: c.351+14G>A on transcript NM_001754.5 (MANE Select); 14 bases into the intron after coding-DNA position 351, G replaced by A.
Molecular consequence: intron variant.
Genome position (GRCh38, 1-based): chr21:34,886,829, C>T on the plus strand (G>A on the coding strand, the complement: RUNX1 is on the minus strand). VCF-style: chr21-34886829-C-T. GRCh37 (hg19) VCF-style: chr21-36259126-C-T.
Other names: c.270+14G>A (NM_001001890.3, NM_001122607.2).
Identifiers: ClinVar variation 2877526 (VCV002877526.4), dbSNP rs1032372190, ClinGen allele CA320642585.
Genomic context (GRCh38, chr21:34,886,829, plus strand): 5'-CCGCTGCCCTCGCGGATCTCCCCCGGCCTCGCCGGCCTCCGCCTGTCCTCCCACCACCCT[C>T]TCCGGGCCAGTACCTTGAAAGCGATGGGCAGGGTCTTGTTGCAGCGCCAGTGCGTAGGCA-3'

ClinVar aggregate classification (germline): Likely benign. Review status: reviewed by expert panel (3 of 4 stars). 2 submissions from 2 submitters: Likely benign (1). 1 of the submissions does not count toward it. Last evaluated 2025-01-15.

Conditions:
Hereditary thrombocytopenia and hematological cancer predisposition syndrome associated with RUNX1. Also called: Familial Platelet Disorder with Propensity to Acute Myelogenous Leukemia; Familial thrombocytopenia with propensity to acute myelogenous leukemia; PLATELET DISORDER, ASPIRIN-LIKE; RUNX1 Familial Platelet Disorder with Associated Myeloid Malignancies. Identifiers: Orphanet 71290, MedGen C1832388, MeSH C563324, MONDO:0100083, OMIM 601399.
Hereditary thrombocytopenia and hematologic cancer predisposition syndrome. Identifiers: Orphanet 71290, MedGen CN281654, MONDO:0011071.

gnomAD v4.1: 1 of 1,612,620 alleles (0.000062%); no homozygotes.

Submissions (2):

ClinGen Myeloid Malignancy Variant Curation Expert Panel
Classification: Likely benign for Hereditary thrombocytopenia and hematologic cancer predisposition syndrome. Last evaluated: 2025-01-15. Review status: reviewed by expert panel. Criteria: ClinGen MyeloMalig ACMG Specifications v2. Collection method: curation. Allele origin: germline. Inheritance: Autosomal dominant inheritance.
Comment: NM_001754.5(RUNX1):c.351+14G>A is an intronic variant which is completely absent from all population databases with at least 20x coverage for RUNX1 (PM2_supporting). This variant has a SpliceAI score of 0.00 (≤ 0.20), and evolutionary conservation algorithms predict the site as not being conserved (PhyloP score 0.53 ≤ 2.0), supporting BP7. Multiple lines of computational evidence suggest no impact on the gene or gene product, with a SpliceAI score of 0.00, supporting BP4. In summary, this variant meets criteria to be classified as likely benign. ACMG/AMP criteria applied, as specified by the Myeloid Malignancy Variant Curation Expert Panel for RUNX1: PM2_supporting, BP4, BP7.

Labcorp Genetics (formerly Invitae), Labcorp
Classification: Likely benign for Hereditary thrombocytopenia and hematological cancer predisposition syndrome associated with RUNX1. Last evaluated: 2023-12-16. Review status: criteria provided, single submitter. Criteria: Invitae Variant Classification Sherloc (09022015). Collection method: clinical testing. Allele origin: germline. Not counted in ClinVar's aggregate classification.